The following is an entry in ClinVar:

ClinVar aggregate classification (germline): Likely benign (1 of 4 stars; one submission).

Allele frequency attached by ClinVar (database versions not stated): ESP Exome Variant Server 0.00008; TOPMed 0.00011; gnomAD 0.00027; ExAC 0.00028; 1000 Genomes Project 30x 0.00031; 1000 Genomes Project 0.00040.
gnomAD v4.1: 232 of 1,614,068 alleles (0.014%); highest among the groups gnomAD compares: Admixed American, 0.02%; no homozygotes.

Submission:

CeGaT Center for Human Genetics Tuebingen
Classification: Likely benign. Last evaluated: 2022-06-01. Review status: criteria provided, single submitter. Criteria: CeGaT Center For Human Genetics Tuebingen Variant Classification Criteria Version 2. Collection method: clinical testing. Allele origin: germline. Affected: yes. Observed: 1 variant allele.
Comment: TM6SF1: BP4, BP7

NM_023003.5(TM6SF1):c.303G>A (p.Pro101=)

Genes: HDGFL3 (HDGF like 3; minus strand), TM6SF1 (transmembrane 6 superfamily member 1; plus strand). Cytogenetic location: 15q25.2.
Variant type: single nucleotide variant.
Coding change: c.303G>A on transcript NM_023003.5 (MANE Select); coding-DNA position 303, G replaced by A.
Protein change: p.Pro101=; no amino-acid change (proline 101 retained).
Molecular consequence: synonymous variant. On other transcripts: 5 prime UTR variant (4), non-coding transcript variant (2).
Genome position (GRCh38, 1-based): chr15:83,119,586, G>A. VCF-style: chr15-83119586-G-A. GRCh37 (hg19) VCF-style: chr15-83788338-G-A.
Other names: c.303G>A, p.Pro101= (NM_001144903.3, NM_001330385.3, NM_001353878.2); c.30G>A, p.Pro10= (NM_001353879.2, NM_001353880.2); c.-195G>A (NM_001353881.2, NM_001353882.2); c.-90G>A (NM_001353883.2, NM_001353884.2).
Identifiers: ClinVar variation 2645642 (VCV002645642.24), dbSNP rs200970627, ClinGen allele CA7703250.
Genomic context (GRCh38, chr15:83,119,586, plus strand): 5'-CTGCATTTACAGGTCTTATTTAAAGTGGACTTCTTTTTAATGCTTTCTTTAGGGTGAACC[G>A]TATCTGAACACCGCATATGGGCACATGATCTGCTACTGGGATGGCTCTGCTCATTATCTG-3'
Protein context (NP_075379.2, residues 91-111): FMTHYLREGE[Pro101=]YLNTAYGHMI